The following is an entry in ClinVar:

ClinVar aggregate classification (germline): Uncertain significance (1 of 4 stars; one submission).

Conditions:
Arrhythmogenic right ventricular dysplasia 10. Also called: Arrhythmogenic Right Ventricular Dysplasia/Cardiomyopathy10; Arrhythmogenic right ventricular dysplasia/cardiomyopathy, type 10; ARRHYTHMOGENIC RIGHT VENTRICULAR DYSPLASIA, FAMILIAL, 10. Identifiers: MedGen C1857777, MONDO:0012434, OMIM 610193.

Submission:

Labcorp Genetics (formerly Invitae), Labcorp
Classification: Uncertain significance for Arrhythmogenic right ventricular dysplasia 10. Last evaluated: 2023-06-04. Review status: criteria provided, single submitter. Criteria: Invitae Variant Classification Sherloc (09022015). Collection method: clinical testing. Allele origin: germline.
Comment: In summary, the available evidence is currently insufficient to determine the role of this variant in disease. Therefore, it has been classified as a Variant of Uncertain Significance. Algorithms developed to predict the effect of sequence changes on RNA splicing suggest that this variant may create or strengthen a splice site. This variant has not been reported in the literature in individuals affected with DSG2-related conditions. This variant is not present in population databases (gnomAD no frequency). This sequence change affects codon 178 of the DSG2 mRNA. It is a 'silent' change, meaning that it does not change the encoded amino acid sequence of the DSG2 protein.

NM_001943.5(DSG2):c.534G>T (p.Val178=)

Gene: DSG2 (desmoglein 2; plus strand). Cytogenetic location: 18q12.1.
Variant type: single nucleotide variant.
Coding change: c.534G>T on transcript NM_001943.5 (MANE Select); coding-DNA position 534, G replaced by T.
Protein change: p.Val178=; no amino-acid change (valine 178 retained).
Molecular consequence: synonymous variant.
Genome position (GRCh38, 1-based): chr18:31,522,093, G>T. VCF-style: chr18-31522093-G-T. GRCh37 (hg19) VCF-style: chr18-29102056-G-T.
Identifiers: ClinVar variation 2918797 (VCV002918797.3), dbSNP rs2510911564, ClinGen allele CA503598068.